The following is an entry in ClinVar:

NM_002439.5(MSH3):c.1796A>T (p.Glu599Val)

Gene: MSH3 (mutS homolog 3; plus strand). Cytogenetic location: 5q14.1.
Variant type: single nucleotide variant.
Coding change: c.1796A>T on transcript NM_002439.5 (MANE Select); coding-DNA position 1796, A replaced by T.
Protein change: p.Glu599Val; replaces glutamic acid 599 with valine.
Molecular consequence: missense variant.
Genome position (GRCh38, 1-based): chr5:80,761,578, A>T. VCF-style: chr5-80761578-A-T. GRCh37 (hg19) VCF-style: chr5-80057397-A-T.
Other names: c.1796A>T (NM_002439.3); short protein forms E599V.
Identifiers: ClinVar variation 2881487 (VCV002881487.4), dbSNP rs2546770006, ClinGen allele CA360276531.

ClinVar aggregate classification (germline): Uncertain significance. Review status: criteria provided, multiple submitters, no conflicts (2 of 4 stars). 2 submissions from 2 submitters: Uncertain significance (2). Last evaluated 2025-03-22.

Conditions:
Hereditary cancer-predisposing syndrome. Also called: Hereditary Cancer Syndrome; Hereditary neoplastic syndrome; Tumor predisposition; Neoplastic Syndromes, Hereditary. Identifiers: Orphanet 140162, MedGen C0027672, MeSH D009386, MONDO:0015356.

Submissions (2):

Ambry Genetics
Classification: Uncertain significance for Hereditary cancer-predisposing syndrome. Last evaluated: 2025-03-22. Review status: criteria provided, single submitter. Criteria: Ambry Variant Classification Scheme 2023. Collection method: clinical testing. Allele origin: germline.
Comment: The p.E599V variant (also known as c.1796A>T), located in coding exon 13 of the MSH3 gene, results from an A to T substitution at nucleotide position 1796. The glutamic acid at codon 599 is replaced by valine, an amino acid with dissimilar properties. This amino acid position is conserved. In addition, this alteration is predicted to be deleterious by in silico analysis. Based on the available evidence, the clinical significance of this variant remains unclear.

Labcorp Genetics (formerly Invitae), Labcorp
Classification: Uncertain significance. Last evaluated: 2022-11-18. Review status: criteria provided, single submitter. Criteria: Invitae Variant Classification Sherloc (09022015). Collection method: clinical testing. Allele origin: germline.
Comment: In summary, the available evidence is currently insufficient to determine the role of this variant in disease. Therefore, it has been classified as a Variant of Uncertain Significance. Algorithms developed to predict the effect of missense changes on protein structure and function are either unavailable or do not agree on the potential impact of this missense change (SIFT: "Tolerated"; PolyPhen-2: "Probably Damaging"; Align-GVGD: "Class C0"). This variant has not been reported in the literature in individuals affected with MSH3-related conditions. This variant is not present in population databases (gnomAD no frequency). This sequence change replaces glutamic acid, which is acidic and polar, with valine, which is neutral and non-polar, at codon 599 of the MSH3 protein (p.Glu599Val).